The following is an entry in ClinVar:

NM_000548.5(TSC2):c.4246G>T (p.Ala1416Ser)

Gene: TSC2 (TSC complex subunit 2; plus strand). Cytogenetic location: 16p13.3.
Variant type: single nucleotide variant.
Coding change: c.4246G>T on transcript NM_000548.5 (MANE Select); coding-DNA position 4246, G replaced by T.
Protein change: p.Ala1416Ser; replaces alanine 1416 with serine.
Molecular consequence: missense variant.
Genome position (GRCh38, 1-based): chr16:2,084,468, G>T. VCF-style: chr16-2084468-G-T. GRCh37 (hg19) VCF-style: chr16-2134469-G-T.
Other names: c.4045G>T, p.Ala1349Ser (NM_001077183.3); c.4177G>T, p.Ala1393Ser (NM_001114382.3); c.3937G>T, p.Ala1313Ser (NM_001318827.2); c.3901G>T, p.Ala1301Ser (NM_001318829.2); c.3514G>T, p.Ala1172Ser (NM_001318831.2); c.4078G>T, p.Ala1360Ser (NM_001318832.2); c.4048G>T, p.Ala1350Ser (NM_001363528.2); c.4114G>T, p.Ala1372Ser (NM_001370404.1); and 1 more; short protein forms A1372S, A1416S, A1301S, A1313S, A1172S, A1350S, A1349S, A1360S.
Identifiers: ClinVar variation 853078 (VCV000853078.13), dbSNP rs1001211672, ClinGen allele CA276753373.

ClinVar aggregate classification (germline): Conflicting classifications of pathogenicity. Review status: criteria provided, conflicting classifications (1 of 4 stars). 3 submissions from 3 submitters: Uncertain significance (2); Benign (1). Last evaluated 2025-11-19.

Conditions:
Hereditary cancer-predisposing syndrome. Also called: Neoplastic Syndromes, Hereditary; Hereditary Cancer Syndrome; Hereditary neoplastic syndrome; Tumor predisposition. Identifiers: Orphanet 140162, MedGen C0027672, MeSH D009386, MONDO:0015356.
Tuberous sclerosis 2 (TSC2). Identifiers: Orphanet 805, MedGen C1860707, MONDO:0013199, OMIM 613254.
Lymphangiomyomatosis (LAM). Also called: Lymphangioleiomyomatosis, somatic; Lymphangioleiomyomatosis. Identifiers: Orphanet 538, MedGen C0751674, MONDO:0011705, OMIM 606690.
Isolated focal cortical dysplasia type II (FCORD2). Also called: CORTICAL DYSPLASIA OF TAYLOR; Focal cortical dysplasia type II. Identifiers: Orphanet 268994, MedGen C1846385, MONDO:0011818, OMIM 607341, HP:0032051.

Allele frequency attached by ClinVar (database versions not stated): gnomAD exomes 0.00001; TOPMed 0.00001.
gnomAD v4.1: 3 of 1,609,292 alleles (0.00019%); highest among the groups gnomAD compares: Admixed American, 0.0034%; no homozygotes.

Submissions (3):

Labcorp Genetics (formerly Invitae), Labcorp
Classification: Benign for Tuberous sclerosis 2. Last evaluated: 2025-11-19. Review status: criteria provided, single submitter. Criteria: Invitae Variant Classification Sherloc (09022015). Collection method: clinical testing. Allele origin: germline.

Fulgent Genetics
Classification: Uncertain significance for Lymphangiomyomatosis; Isolated focal cortical dysplasia type II; Tuberous sclerosis 2. Last evaluated: 2024-06-17. Review status: criteria provided, single submitter. Criteria: ACMG Guidelines, 2015. Collection method: clinical testing. Allele origin: germline.

Ambry Genetics
Classification: Uncertain significance for Hereditary cancer-predisposing syndrome. Last evaluated: 2024-01-16. Review status: criteria provided, single submitter. Criteria: Ambry Variant Classification Scheme 2023. Collection method: clinical testing. Allele origin: germline.
Comment: The p.A1416S variant (also known as c.4246G>T), located in coding exon 33 of the TSC2 gene, results from a G to T substitution at nucleotide position 4246. The alanine at codon 1416 is replaced by serine, an amino acid with similar properties. This amino acid position is not well conserved in available vertebrate species. In addition, the in silico prediction for this alteration is inconclusive. Since supporting evidence is limited at this time, the clinical significance of this alteration remains unclear.